The following is an entry in ClinVar:

ClinVar aggregate classification (germline): Uncertain significance. Review status: criteria provided, multiple submitters, no conflicts (2 of 4 stars). 6 submissions from 6 submitters: Uncertain significance (4). 2 of the submissions do not count toward it. Last evaluated 2025-10-20.

Conditions:
Usher syndrome type 1 (USH1). Also called: RETINITIS PIGMENTOSA AND CONGENITAL DEAFNESS. Identifiers: Orphanet 231169, Orphanet 886, MedGen C1568247, MONDO:0010168, OMIM 276900.
Autosomal recessive nonsyndromic hearing loss 18A. Also called: DEAFNESS, AUTOSOMAL RECESSIVE 18; Deafness, autosomal recessive 18A. Identifiers: Orphanet 90636, MedGen C1865870, MONDO:0011192, OMIM 602092.
Usher syndrome type 1C. Also called: USHER SYNDROME, TYPE I, ACADIAN VARIETY. Identifiers: Orphanet 231169, Orphanet 886, MedGen C1848604, MONDO:0010171, OMIM 276904.

Allele frequency attached by ClinVar (database versions not stated): TOPMed 0.00003; 1000 Genomes Project 0.00020; 1000 Genomes Project 30x 0.00031.
gnomAD v4.1: 92 of 1,614,016 alleles (0.0057%); highest among the groups gnomAD compares: South Asian, 0.053%; 1 homozygote.

Submissions (6):

Labcorp Genetics (formerly Invitae), Labcorp
Classification: Uncertain significance. Last evaluated: 2025-10-20. Review status: criteria provided, single submitter. Criteria: Invitae Variant Classification Sherloc (09022015). Collection method: clinical testing. Allele origin: germline.
Comment: This sequence change replaces arginine, which is basic and polar, with tryptophan, which is neutral and slightly polar, at codon 357 of the USH1C protein (p.Arg357Trp). This variant is present in population databases (rs140934960, gnomAD 0.05%), including at least one homozygous and/or hemizygous individual. This variant has not been reported in the literature in individuals affected with USH1C-related conditions. ClinVar contains an entry for this variant (Variation ID: 194234). An algorithm developed to predict the effect of missense changes on protein structure and function (PolyPhen-2) suggests that this variant is likely to be disruptive. In summary, the available evidence is currently insufficient to determine the role of this variant in disease. Therefore, it has been classified as a Variant of Uncertain Significance.

Blueprint Genetics
Classification: Uncertain significance. Last evaluated: 2024-03-12. Review status: criteria provided, single submitter. Criteria: ACMG Guidelines, 2015. Collection method: clinical testing. Allele origin: germline.

Department of Pathology and Laboratory Medicine, Sinai Health System
Classification: Uncertain significance for Usher syndrome type 1; Usher syndrome type 1C; Autosomal recessive nonsyndromic hearing loss 18A. Last evaluated: 2020-07-23. Review status: criteria provided, single submitter. Criteria: ACMG Guidelines, 2015. Collection method: research. Allele origin: germline.

Eurofins Ntd Llc (ga)
Classification: Uncertain significance. Last evaluated: 2014-05-21. Review status: criteria provided, single submitter. Criteria: EGL Classification Definitions 2015. Collection method: clinical testing. Allele origin: germline. Observed: 1 variant allele, 1 heterozygote.

Natera, Inc.
Classification: Uncertain significance for Usher syndrome type 1C. Last evaluated: 2020-03-25. Review status: no assertion criteria provided. Collection method: clinical testing. Allele origin: germline. Not counted in ClinVar's aggregate classification.

Counsyl
Classification: Uncertain significance for Usher syndrome type 1C; Autosomal recessive nonsyndromic hearing loss 18A. Last evaluated: 2017-02-02. Review status: no assertion criteria provided. Collection method: clinical testing. Allele origin: unknown. Not counted in ClinVar's aggregate classification.

Literature cited by the submitters: PubMed 21569298 (cited by Eurofins Ntd Llc (ga) and Counsyl).

NM_153676.4(USH1C):c.1069C>T (p.Arg357Trp)

Gene: USH1C (USH1 protein network component harmonin; minus strand). Cytogenetic location: 11p15.1.
Variant type: single nucleotide variant.
Coding change: c.1069C>T on transcript NM_153676.4 (MANE Select); coding-DNA position 1069, C replaced by T.
Protein change: p.Arg357Trp; replaces arginine 357 with tryptophan.
Molecular consequence: missense variant. On other transcripts: non-coding transcript variant (1).
Genome position (GRCh38, 1-based): chr11:17,521,362, G>A on the plus strand (C>T on the coding strand, the complement: USH1C is on the minus strand). VCF-style: chr11-17521362-G-A. GRCh37 (hg19) VCF-style: chr11-17542909-G-A.
Other names: c.1012C>T, p.Arg338Trp (NM_001297764.2); c.1069C>T, p.Arg357Trp (NM_005709.4); short protein forms R357W, R338W.
Identifiers: ClinVar variation 194234 (VCV000194234.11), dbSNP rs140934960, ClinGen allele CA240094.